The following is an entry in ClinVar:

ClinVar aggregate classification (germline): Conflicting classifications of pathogenicity. Review status: criteria provided, conflicting classifications (1 of 4 stars). 8 submissions from 8 submitters: Uncertain significance (2); Benign (1); Likely benign (4). 1 of the submissions does not count toward it. Last evaluated 2025-12-22.

Conditions:
Breast and/or ovarian cancer. Identifiers: MedGen CN221562.
Hereditary cancer-predisposing syndrome. Also called: Neoplastic Syndromes, Hereditary; Tumor predisposition; Hereditary Cancer Syndrome; Hereditary neoplastic syndrome. Identifiers: Orphanet 140162, MedGen C0027672, MeSH D009386, MONDO:0015356.
Breast-ovarian cancer, familial, susceptibility to, 2 (BROVCA2). Also called: BRCA2 Hereditary Breast and Ovarian Cancer. Identifiers: Orphanet 145, MedGen C2675520, MONDO:0012933, OMIM 612555. Disease mechanism: loss of function.
Ataxia-telangiectasia syndrome (AT). Also called: Cerebello-oculocutaneous telangiectasia; Immunodeficiency with ataxia telangiectasia; AT, COMPLEMENTATION GROUP C; ATAXIA-TELANGIECTASIA, COMPLEMENTATION GROUP A; ATAXIA-TELANGIECTASIA, FRESNO VARIANT; Ataxia-telangiectasia. Identifiers: Orphanet 100, MedGen C0004135, MONDO:0008840, OMIM 208900.
Malignant tumor of breast. Also called: Cancer breast; Malignant breast neoplasm. Identifiers: MedGen C0006142, MONDO:0007254. Disease mechanism: loss of function.

Allele frequency attached by ClinVar (database versions not stated): gnomAD 0.00001; gnomAD exomes 0.00002 and 0.00004; TOPMed 0.00002; ExAC 0.00008.
gnomAD v4.1: 23 of 1,607,118 alleles (0.0014%); highest among the groups gnomAD compares: Non-Finnish European, 0.0019%; no homozygotes.

Submissions (8):

Labcorp Genetics (formerly Invitae), Labcorp
Classification: Likely benign for Ataxia-telangiectasia syndrome. Last evaluated: 2025-12-22. Review status: criteria provided, single submitter. Criteria: Invitae Variant Classification Sherloc (09022015). Collection method: clinical testing. Allele origin: germline.

Color Diagnostics, LLC DBA Color Health
Classification: Likely benign for Hereditary cancer-predisposing syndrome. Last evaluated: 2023-10-17. Review status: criteria provided, single submitter. Criteria: ACMG Guidelines, 2015. Collection method: clinical testing. Allele origin: germline.

CHEO Genetics Diagnostic Laboratory, Children's Hospital of Eastern Ontario
Classification: Uncertain significance for Breast and/or ovarian cancer. Last evaluated: 2023-04-06. Review status: criteria provided, single submitter. Criteria: ACMG Guidelines, 2015. Collection method: clinical testing. Allele origin: germline.

Blueprint Genetics
Classification: Likely benign. Last evaluated: 2023-02-28. Review status: criteria provided, single submitter. Criteria: ACMG Guidelines, 2015. Collection method: clinical testing. Allele origin: germline.

Sema4
Classification: Likely benign for Hereditary cancer-predisposing syndrome. Last evaluated: 2021-12-13. Review status: criteria provided, single submitter. Criteria: Sema4 Curation Guidelines. Collection method: curation. Allele origin: germline.

GeneDx
Classification: Uncertain significance. Last evaluated: 2021-10-11. Review status: criteria provided, single submitter. Criteria: GeneDx Variant Classification Process June 2021. Collection method: clinical testing. Allele origin: germline. Affected: yes.
Comment: Not observed at significant frequency in large population cohorts (gnomAD); Has not been previously published as pathogenic or benign to our knowledge; In-silico analysis is inconclusive as to whether the variant alters gene splicing. In the absence of RNA/functional studies, the actual effect of this sequence change is unknown.; Also known as IVS14-10T>G

Dipartimento Di Medicina Di Precisione, Università Degli Studi Della Campania Luigi Vanvitelli
Classification: Benign for Breast-ovarian cancer, familial, susceptibility to, 2. Review status: criteria provided, single submitter. Criteria: ACMG Guidelines, 2015. Collection method: clinical testing. Allele origin: germline. Inheritance: Autosomal dominant inheritance. Affected: no. Observed: 1 heterozygote.
Comment: The intronic variant c.1899-10T>G in ATM, located in intron 12, was initially classified as a Variant of Uncertain Significance (VUS). However, splice prediction tools (such as SpliceAI, MaxEntScan, and Human Splicing Finder) do not support a significant impact on normal splicing. Additionally, the variant is rare in population databases and no evidence of pathogenicity has been reported in the literature. Based on these findings and according to ACMG/AMP criteria (BP4, BP7, BS1), this variant has been reclassified as benign.

Department of Pathology and Laboratory Medicine, Sinai Health System
Classification: Likely benign for Malignant tumor of breast. Review status: no assertion criteria provided. Collection method: clinical testing. Allele origin: unknown. Affected: yes. Study: The Canadian Open Genetics Repository (COGR). Not counted in ClinVar's aggregate classification.
Comment: The ATM c.1899-10T>G variant was not identified in the literature nor was it identified in the LOVD 3.0 database. The variant was identified in dbSNP (ID: rs763685190) as "With Likely benign allele ", and in ClinVar (classified as likely benign by Invitae and Color). The variant was identified in control databases in 10 of 244640 chromosomes at a frequency of 0.00004 (Genome Aggregation Database Feb 27, 2017). The variant was observed in the following populations: African in 1 of 15198 chromosomes (freq: 0.00007), European in 9 of 111176 chromosomes (freq: 0.00008), while the variant was not observed in the Other, Latino, Ashkenazi Jewish, East Asian, Finnish, and South Asian populations. The c.1899-10T>G variant is located in the 3' splice region but does not affect the invariant -1 and -2 positions. However, positions -3 and -5 to -12 are part of the splicing consensus sequence and variants involving these positions sometimes affect splicing. However, in silico or computational prediction software programs (SpliceSiteFinder, MaxEntScan, NNSPLICE, GeneSplicer) do not predict a difference in splicing. In summary, based on the above information the clinical significance of this variant cannot be determined with certainty at this time although we would lean towards a more benign role for this variant. This variant is classified as likely benign.

Literature cited by the submitters: DOI 10.1515/cclm-2012-0154 (cited by Dipartimento Di Medicina Di Precisione, Università Degli Studi Della Campania Luigi Vanvitelli).

NM_000051.4(ATM):c.1899-10T>G

Gene: ATM (ATM serine/threonine kinase; plus strand). Cytogenetic location: 11q22.3.
Variant type: single nucleotide variant.
Coding change: c.1899-10T>G on transcript NM_000051.4 (MANE Select); 10 bases into the intron before coding-DNA position 1899, T replaced by G.
Molecular consequence: intron variant.
Genome position (GRCh38, 1-based): chr11:108,253,804, T>G. VCF-style: chr11-108253804-T-G. GRCh37 (hg19) VCF-style: chr11-108124531-T-G.
Other names: c.1899-10T>G (NM_001351834.2).
Identifiers: ClinVar variation 215577 (VCV000215577.27), dbSNP rs763685190, ClinGen allele CA338810.